The following is an entry in ClinVar:

NM_001267550.2(TTN):c.86909G>A (p.Gly28970Asp)

Genes: TTN (titin; minus strand), TTN-AS1 (TTN antisense RNA 1; plus strand). Cytogenetic location: 2q31.2.
Variant type: single nucleotide variant.
Coding change: c.86909G>A on transcript NM_001267550.2 (MANE Select); coding-DNA position 86909, G replaced by A.
Protein change: p.Gly28970Asp; replaces glycine 28970 with aspartic acid.
Molecular consequence: missense variant.
Genome position (GRCh38, 1-based): chr2:178,558,550, C>T on the plus strand (G>A on the coding strand, the complement: TTN is on the minus strand). VCF-style: chr2-178558550-C-T. GRCh37 (hg19) VCF-style: chr2-179423277-C-T.
Other names: c.81986G>A, p.Gly27329Asp (NM_001256850.1); c.59714G>A, p.Gly19905Asp (NM_003319.4); c.79205G>A, p.Gly26402Asp (NM_133378.4); c.60089G>A, p.Gly20030Asp (NM_133432.3); c.60290G>A, p.Gly20097Asp (NM_133437.4); short protein forms G20030D, G20097D, G26402D, G27329D, G28970D, G19905D.
Identifiers: ClinVar variation 681389 (VCV000681389.1), dbSNP rs1575593866, ClinGen allele CA349540578.

ClinVar aggregate classification (germline): Likely benign (1 of 4 stars; one submission).

Allele frequency attached by ClinVar (database versions not stated): TOPMed below 0.00001; gnomAD 0.00001; gnomAD exomes 0.00001.
gnomAD v4.1: 7 of 1,613,632 alleles (0.00043%); highest among the groups gnomAD compares: Non-Finnish European, 0.00059%; no homozygotes.

Submission:

GeneDx
Classification: Likely benign. Last evaluated: 2018-04-06. Review status: criteria provided, single submitter. Criteria: GeneDx Variant Classification (06012015). Collection method: clinical testing. Allele origin: germline. Affected: yes.
Comment: This variant is considered likely benign or benign based on one or more of the following criteria: it is a conservative change, it occurs at a poorly conserved position in the protein, it is predicted to be benign by multiple in silico algorithms, and/or has population frequency not consistent with disease.